The following is an entry in ClinVar:

ClinVar aggregate classification (germline): Uncertain significance. Review status: criteria provided, multiple submitters, no conflicts (2 of 4 stars). 3 submissions from 3 submitters: Uncertain significance (3). Last evaluated 2025-08-09.

Conditions:
Primary ciliary dyskinesia. Also called: Ciliary dyskinesia. Identifiers: Orphanet 244, MedGen C0008780, MONDO:0016575, HP:0012265.
Primary ciliary dyskinesia 6. Also called: Primary Ciliary Dyskinesia 6: TXNDC3-Related Primary Ciliary Dyskinesia. Identifiers: Orphanet 244, MedGen C1970506, MONDO:0012571, OMIM 610852.
NME8-related disorder. Also called: NME8-related condition.

Allele frequency attached by ClinVar (database versions not stated): gnomAD exomes 0.00001; TOPMed 0.00001; gnomAD 0.00003.
gnomAD v4.1: 22 of 1,614,036 alleles (0.0014%); highest among the groups gnomAD compares: Non-Finnish European, 0.0017%; no homozygotes.

Submissions (3):

Ambry Genetics
Classification: Uncertain significance for Primary ciliary dyskinesia. Last evaluated: 2025-08-09. Review status: criteria provided, single submitter. Criteria: Ambry Variant Classification Scheme 2023. Collection method: clinical testing. Allele origin: germline.

PreventionGenetics, part of Exact Sciences
Classification: Uncertain significance for NME8-related condition. Last evaluated: 2023-08-03. Review status: criteria provided, single submitter. Criteria: ACMG Guidelines, 2015. Collection method: clinical testing. Allele origin: germline.
Comment: The NME8 c.23T>A variant is predicted to result in the amino acid substitution p.Val8Asp. To our knowledge, this variant has not been reported in the literature. This variant is reported in 0.023% of alleles in individuals of African descent in gnomAD. At this time, the clinical significance of this variant is uncertain due to the absence of conclusive functional and genetic evidence.

Labcorp Genetics (formerly Invitae), Labcorp
Classification: Uncertain significance for Primary ciliary dyskinesia 6. Last evaluated: 2020-07-09. Review status: criteria provided, single submitter. Criteria: Invitae Variant Classification Sherloc (09022015). Collection method: clinical testing. Allele origin: germline.
Comment: This sequence change replaces valine with aspartic acid at codon 8 of the NME8 protein (p.Val8Asp). The valine residue is moderately conserved and there is a large physicochemical difference between valine and aspartic acid. This variant is not present in population databases (ExAC no frequency). This variant has not been reported in the literature in individuals with NME8-related conditions. Algorithms developed to predict the effect of missense changes on protein structure and function are either unavailable or do not agree on the potential impact of this missense change (SIFT: "Deleterious"; PolyPhen-2: "Possibly Damaging"; Align-GVGD: "Class C0"). In summary, the available evidence is currently insufficient to determine the role of this variant in disease. Therefore, it has been classified as a Variant of Uncertain Significance.

NM_016616.5(NME8):c.23T>A (p.Val8Asp)

Gene: NME8 (NME/NM23 family member 8; plus strand). Cytogenetic location: 7p14.1.
Variant type: single nucleotide variant.
Coding change: c.23T>A on transcript NM_016616.5 (MANE Select); coding-DNA position 23, T replaced by A.
Protein change: p.Val8Asp; replaces valine 8 with aspartic acid.
Molecular consequence: missense variant.
Genome position (GRCh38, 1-based): chr7:37,850,289, T>A. VCF-style: chr7-37850289-T-A. GRCh37 (hg19) VCF-style: chr7-37889891-T-A.
Other names: c.23T>A (NM_016616.4); short protein forms V8D.
Identifiers: ClinVar variation 1027035 (VCV001027035.10), dbSNP rs1170478165, ClinGen allele CA367218850.